The following is an entry in ClinVar:

ClinVar aggregate classification (germline): Likely pathogenic (1 of 4 stars; one submission).

Conditions:
Aniridia 1 (AN1). Identifiers: Orphanet 250923, MedGen C0344542, MONDO:0024507, OMIM 106210.
Irido-corneo-trabecular dysgenesis (ASGD5). Also called: ANTERIOR SEGMENT DYSGENESIS 5. Identifiers: Orphanet 708, MedGen C0344559, MONDO:0011414, OMIM 604229, HP:0000659.

Allele frequency attached by ClinVar (database versions not stated): gnomAD exomes below 0.00001.

Submission:

Labcorp Genetics (formerly Invitae), Labcorp
Classification: Likely pathogenic for Aniridia 1; Irido-corneo-trabecular dysgenesis. Last evaluated: 2022-03-29. Review status: criteria provided, single submitter. Criteria: Invitae Variant Classification Sherloc (09022015). Collection method: clinical testing. Allele origin: germline.
Comment: In summary, the currently available evidence indicates that the variant is pathogenic, but additional data are needed to prove that conclusively. Therefore, this variant has been classified as Likely Pathogenic. This variant disrupts the p.Arg261 amino acid residue in PAX6. Other variant(s) that disrupt this residue have been observed in individuals with PAX6-related conditions (PMID: 29145603, 29780932), which suggests that this may be a clinically significant amino acid residue. Algorithms developed to predict the effect of missense changes on protein structure and function (SIFT, PolyPhen-2, Align-GVGD) all suggest that this variant is likely to be disruptive. ClinVar contains an entry for this variant (Variation ID: 963883). This missense change has been observed in individual(s) with foveal hypoplasia, congenital cataracts and/or suspected aniridia (Invitae). It has also been observed to segregate with disease in related individuals. This variant is not present in population databases (gnomAD no frequency). This sequence change replaces arginine, which is basic and polar, with glutamine, which is neutral and polar, at codon 261 of the PAX6 protein (p.Arg261Gln).

Literature cited by the submitters: PubMed 29145603; PubMed 29780932.

NM_001368894.2(PAX6):c.824G>A (p.Arg275Gln)

Gene: PAX6 (paired box 6; minus strand). Cytogenetic location: 11p13.
Variant type: single nucleotide variant.
Coding change: c.824G>A on transcript NM_001368894.2 (MANE Select); coding-DNA position 824, G replaced by A.
Protein change: p.Arg275Gln; replaces arginine 275 with glutamine.
Molecular consequence: missense variant. On other transcripts: non-coding transcript variant (2).
Genome position (GRCh38, 1-based): chr11:31,793,786, C>T on the plus strand (G>A on the coding strand, the complement: PAX6 is on the minus strand). VCF-style: chr11-31793786-C-T. GRCh37 (hg19) VCF-style: chr11-31815334-C-T.
Other names: c.782G>A, p.Arg261Gln (NM_000280.6, NM_001127612.3, NM_001258464.2 and 10 more transcripts); c.824G>A, p.Arg275Gln (NM_001258462.3, NM_001258463.2, NM_001310158.2 and 6 more transcripts); c.374G>A, p.Arg125Gln (NM_001310160.2, NM_001310161.3, NM_001368899.2 and 11 more transcripts); c.1025G>A, p.Arg342Gln (NM_001368910.2); c.827G>A, p.Arg276Gln (NM_001368911.2); c.899G>A, p.Arg300Gln (NM_001368918.2, NM_001368919.2); c.857G>A, p.Arg286Gln (NM_001368920.2); c.623G>A, p.Arg208Gln (NM_001368921.2, NM_001368922.2, NM_001368923.2 and 4 more transcripts); and 2 more; short protein forms R208Q, R276Q, R342Q, R125Q, R194Q, R261Q, R275Q, R300Q.
Identifiers: ClinVar variation 963883 (VCV000963883.10), dbSNP rs1950629763, ClinGen allele CA379956551.
Genomic context (GRCh38, chr11:31,793,786, plus strand): 5'-GTGTTGCTGGCCTGTCTTCTCTGATTCCTCAGTTTTTCTTCTCTTCTCCATTTGGCCCTT[C>T]GATTAGAAAACCATACCTGGAAATCAGGTGGGACAGGTTAGCACTGTGTCTACGTCGAGC-3'
Protein context (NP_001355823.1, residues 265-285): EARIQVWFSN[Arg275Gln]RAKWRREEKL